The following is an entry in ClinVar:

NM_004260.4(RECQL4):c.1573T>C (p.Cys525Arg)

Gene: RECQL4 (RecQ like helicase 4; minus strand). Cytogenetic location: 8q24.3.
Variant type: single nucleotide variant.
Coding change: c.1573T>C on transcript NM_004260.4 (MANE Select); coding-DNA position 1573, T replaced by C.
Protein change: p.Cys525Arg; replaces cysteine 525 with arginine.
Molecular consequence: missense variant.
Genome position (GRCh38, 1-based): chr8:144,514,983, A>G on the plus strand (T>C on the coding strand, the complement: RECQL4 is on the minus strand). VCF-style: chr8-144514983-A-G. GRCh37 (hg19) VCF-style: chr8-145740367-A-G.
Other names: short protein forms C525R.
Identifiers: ClinVar variation 285439 (VCV000285439.7), dbSNP rs886043101, ClinGen allele CA10605112.

ClinVar aggregate classification (germline): Uncertain significance. Review status: criteria provided, multiple submitters, no conflicts (2 of 4 stars). 2 submissions from 2 submitters: Uncertain significance (2). Last evaluated 2024-09-17.

Conditions:
Baller-Gerold syndrome (BGS). Also called: CRANIOSYNOSTOSIS WITH RADIAL DEFECTS. Identifiers: Orphanet 1225, MedGen C0265308, MONDO:0009039, OMIM 218600.

Submissions (2):

Labcorp Genetics (formerly Invitae), Labcorp
Classification: Uncertain significance for Baller-Gerold syndrome. Last evaluated: 2024-09-17. Review status: criteria provided, single submitter. Criteria: Invitae Variant Classification Sherloc (09022015). Collection method: clinical testing. Allele origin: germline.
Comment: This sequence change replaces cysteine, which is neutral and slightly polar, with arginine, which is basic and polar, at codon 525 of the RECQL4 protein (p.Cys525Arg). This variant is not present in population databases (gnomAD no frequency). This variant has not been reported in the literature in individuals affected with RECQL4-related conditions. ClinVar contains an entry for this variant (Variation ID: 285439). Invitae Evidence Modeling of protein sequence and biophysical properties (such as structural, functional, and spatial information, amino acid conservation, physicochemical variation, residue mobility, and thermodynamic stability) indicates that this missense variant is expected to disrupt RECQL4 protein function with a positive predictive value of 80%. In summary, the available evidence is currently insufficient to determine the role of this variant in disease. Therefore, it has been classified as a Variant of Uncertain Significance.

Eurofins Ntd Llc (ga)
Classification: Uncertain significance. Last evaluated: 2016-01-27. Review status: criteria provided, single submitter. Criteria: EGL Classification Definitions 2015. Collection method: clinical testing. Allele origin: germline.